The following is an entry in ClinVar:

NM_024408.4(NOTCH2):c.1299T>C (p.Cys433=)

Gene: NOTCH2 (notch receptor 2; minus strand). Cytogenetic location: 1p12.
Variant type: single nucleotide variant.
Coding change: c.1299T>C on transcript NM_024408.4 (MANE Select); coding-DNA position 1299, T replaced by C.
Protein change: p.Cys433=; no amino-acid change (cysteine 433 retained).
Molecular consequence: synonymous variant.
Genome position (GRCh38, 1-based): chr1:119,967,587, A>G on the plus strand (T>C on the coding strand, the complement: NOTCH2 is on the minus strand). VCF-style: chr1-119967587-A-G. GRCh37 (hg19) VCF-style: chr1-120510210-A-G.
Other names: c.1299T>C (NM_024408.3); c.1299T>C, p.Cys433= (NM_001200001.2).
Identifiers: ClinVar variation 1169611 (VCV001169611.11), dbSNP rs782774086, ClinGen allele CA1040565.

ClinVar aggregate classification (germline): Benign/Likely benign. Review status: criteria provided, multiple submitters, no conflicts (2 of 4 stars). 3 submissions from 3 submitters: Benign (1); Likely benign (2). Last evaluated 2025-12-03.

Conditions:
NOTCH2-related disorder. Also called: NOTCH2-related condition.
Hajdu-Cheney syndrome (HJCYS). Also called: ACROOSTEOLYSIS WITH OSTEOPOROSIS AND CHANGES IN SKULL AND MANDIBLE; Acroosteolysis dominant type; SERPENTINE FIBULA-POLYCYSTIC KIDNEY SYNDROME. Identifiers: Orphanet 955, MedGen C0917715, MONDO:0007057, OMIM 102500.

Allele frequency attached by ClinVar (database versions not stated): gnomAD 0.00002 and 0.00003; gnomAD exomes 0.00004 and 0.00012; TOPMed 0.00005; ExAC 0.00014.
gnomAD v4.1: 57 of 1,614,000 alleles (0.0035%); highest among the groups gnomAD compares: Admixed American, 0.047%; no homozygotes.

Submissions (3):

Labcorp Genetics (formerly Invitae), Labcorp
Classification: Benign for Hajdu-Cheney syndrome. Last evaluated: 2025-12-03. Review status: criteria provided, single submitter. Criteria: Invitae Variant Classification Sherloc (09022015). Collection method: clinical testing. Allele origin: germline.

PreventionGenetics, part of Exact Sciences
Classification: Likely benign for NOTCH2-related condition. Last evaluated: 2025-10-15. Review status: criteria provided, single submitter. Criteria: ACMG Guidelines, 2015. Collection method: clinical testing. Allele origin: germline.
Comment: This variant is classified as likely benign based on ACMG/AMP sequence variant interpretation guidelines (Richards et al. 2015 PMID: 25741868, with internal and published modifications).

Blueprint Genetics
Classification: Likely benign. Last evaluated: 2024-07-23. Review status: criteria provided, single submitter. Criteria: ACMG Guidelines, 2015. Collection method: clinical testing. Allele origin: germline.